The following is an entry in ClinVar:

NM_004304.5(ALK):c.2775A>C (p.Gly925=)

Gene: ALK (ALK receptor tyrosine kinase; minus strand). Cytogenetic location: 2p23.2.
Variant type: single nucleotide variant.
Coding change: c.2775A>C on transcript NM_004304.5 (MANE Select); coding-DNA position 2775, A replaced by C.
Protein change: p.Gly925=; no amino-acid change (glycine 925 retained).
Molecular consequence: synonymous variant.
Genome position (GRCh38, 1-based): chr2:29,228,924, T>G on the plus strand (A>C on the coding strand, the complement: ALK is on the minus strand). VCF-style: chr2-29228924-T-G. GRCh37 (hg19) VCF-style: chr2-29451790-T-G.
Identifiers: ClinVar variation 1795841 (VCV001795841.10), dbSNP rs777406442, ClinGen allele CA425436267.

ClinVar aggregate classification (germline): Likely benign. Review status: criteria provided, multiple submitters, no conflicts (2 of 4 stars). 2 submissions from 2 submitters: Likely benign (2). Last evaluated 2025-08-01.

Conditions:
Hereditary cancer-predisposing syndrome. Also called: Hereditary neoplastic syndrome; Neoplastic Syndromes, Hereditary; Tumor predisposition; Hereditary Cancer Syndrome. Identifiers: Orphanet 140162, MedGen C0027672, MeSH D009386, MONDO:0015356.

Submissions (2):

CeGaT Center for Human Genetics Tuebingen
Classification: Likely benign. Last evaluated: 2025-08-01. Review status: criteria provided, single submitter. Criteria: CeGaT Center For Human Genetics Tuebingen Variant Classification Criteria Version 2. Collection method: clinical testing. Allele origin: germline. Affected: yes. Observed: 1 variant allele.
Comment: ALK: BP4, BP7

Ambry Genetics
Classification: Likely benign for Hereditary cancer-predisposing syndrome. Last evaluated: 2020-06-10. Review status: criteria provided, single submitter. Criteria: Ambry Variant Classification Scheme 2023. Collection method: clinical testing. Allele origin: germline.